The following is an entry in ClinVar:

ClinVar aggregate classification (germline): Uncertain significance (1 of 4 stars; one submission).

Conditions:
Cardiovascular phenotype. Identifiers: MedGen CN230736.

gnomAD v4.1: 2 of 1,613,892 alleles (0.00012%); no homozygotes.

Submission:

Ambry Genetics
Classification: Uncertain significance for Cardiovascular phenotype. Last evaluated: 2022-06-07. Review status: criteria provided, single submitter. Criteria: Ambry Variant Classification Scheme 2023. Collection method: clinical testing. Allele origin: germline.
Comment: The p.E644Q variant (also known as c.1930G>C), located in coding exon 8 of the ALMS1 gene, results from a G to C substitution at nucleotide position 1930. The glutamic acid at codon 644 is replaced by glutamine, an amino acid with highly similar properties. This amino acid position is not well conserved in available vertebrate species. In addition, this alteration is predicted to be tolerated by in silico analysis. Since supporting evidence is limited at this time, the clinical significance of this alteration remains unclear.

NM_001378454.1(ALMS1):c.1927G>C (p.Glu643Gln)

Gene: ALMS1 (ALMS1 centrosome and basal body associated protein; plus strand). Cytogenetic location: 2p13.1.
Variant type: single nucleotide variant.
Coding change: c.1927G>C on transcript NM_001378454.1 (MANE Select); coding-DNA position 1927, G replaced by C.
Protein change: p.Glu643Gln; replaces glutamic acid 643 with glutamine.
Molecular consequence: missense variant.
Genome position (GRCh38, 1-based): chr2:73,448,454, G>C. VCF-style: chr2-73448454-G-C. GRCh37 (hg19) VCF-style: chr2-73675581-G-C.
Other names: c.1930G>C, p.Glu644Gln (NM_015120.4); short protein forms E644Q, E643Q.
Identifiers: ClinVar variation 1782883 (VCV001782883.2), dbSNP rs769734500, ClinGen allele CA347265822.